The following is an entry in ClinVar:

NM_033629.6(TREX1):c.137dup (p.Ser46fs)

Genes: ATRIP (ATR interacting protein; plus strand), ATRIP-TREX1 (ATRIP-TREX1 readthrough; plus strand), TREX1 (three prime repair exonuclease 1; plus strand). Cytogenetic location: 3p21.31.
Variant type: Duplication.
Coding change: c.137dup on transcript NM_033629.6 (MANE Select); coding-DNA position 137, one base duplicated (G; older notation c.137dupG).
Protein change: p.Ser46fs; shifts the reading frame from serine 46.
Molecular consequence: frameshift variant. On other transcripts: non-coding transcript variant (1), 3 prime UTR variant (4).
Genome position (GRCh38, 1-based): chr3:48,466,792, G duplicated. VCF-style (leftmost placement, unchanged base first): chr3-48466791-A-AG. GRCh37 (hg19) VCF-style: chr3-48508190-A-AG.
Other names: c.137dupG (NM_033629.6); c.107dup, p.Ser36fs (NM_007248.5); c.*1238dup (NM_001271022.2, NM_001271023.2, NM_032166.4 and 1 more transcripts); short protein forms S36fs, S46fs.
Identifiers: ClinVar variation 1299626 (VCV001299626.2), dbSNP rs2107255865, ClinGen allele CA2499216809.

ClinVar aggregate classification (germline): Pathogenic/Likely pathogenic. Review status: criteria provided, single submitter (1 of 4 stars). 2 submissions from 1 submitter: Pathogenic (1); Likely pathogenic (1). Last evaluated 2022-07-20.

Conditions:
Aicardi-Goutieres syndrome 1. Also called: CREE ENCEPHALITIS; ENCEPHALOPATHY, FAMILIAL INFANTILE, WITH INTRACRANIAL CALCIFICATION AND CHRONIC CEREBROSPINAL FLUID LYMPHOCYTOSIS; PSEUDOTOXOPLASMOSIS SYNDROME. Identifiers: Orphanet 51, MedGen C0796126, MONDO:0009165, OMIM 225750.
Chilblain lupus 1 (CHBL1). Identifiers: MedGen C0024145, MONDO:0012500, OMIM 610448.

Submissions (2):

Laboratory of Medical Genetics, National & Kapodistrian University of Athens
Classification: Pathogenic for Aicardi-Goutieres syndrome 1. Last evaluated: 2022-07-20. Review status: criteria provided, single submitter. Criteria: ACMG Guidelines, 2015. Collection method: clinical testing. Allele origin: germline. Affected: yes.
Comment: PM1, PM2, PP3, PP4, PP5

Laboratory of Medical Genetics, National & Kapodistrian University of Athens
Classification: Likely pathogenic for Chilblain lupus 1. Last evaluated: 2021-10-06. Review status: criteria provided, single submitter. Criteria: ACMG Guidelines, 2015. Collection method: clinical testing. Allele origin: unknown. Affected: yes.
Comment: the same text as in the submission from Laboratory of Medical Genetics, National & Kapodistrian University of Athens above.